The following is an entry in ClinVar:

ClinVar aggregate classification (germline): Uncertain significance (1 of 4 stars; one submission).

gnomAD v4.1: 4 of 1,601,182 alleles (0.00025%); highest among the groups gnomAD compares: Admixed American, 0.0034%; no homozygotes.

Submission:

Ambry Genetics
Classification: Uncertain significance. Last evaluated: 2025-03-14. Review status: criteria provided, single submitter. Criteria: Ambry Variant Classification Scheme 2023. Collection method: clinical testing. Allele origin: germline.
Comment: The p.A219E variant (also known as c.656C>A), located in coding exon 3 of the GALNT12 gene, results from a C to A substitution at nucleotide position 656. The alanine at codon 219 is replaced by glutamic acid, an amino acid with dissimilar properties. This amino acid position is conserved. In addition, this alteration is predicted to be deleterious by in silico analysis. Since supporting evidence is limited at this time, the clinical significance of this alteration remains unclear.

NM_024642.5(GALNT12):c.656C>A (p.Ala219Glu)

Gene: GALNT12 (polypeptide N-acetylgalactosaminyltransferase 12; plus strand). Cytogenetic location: 9q22.33.
Variant type: single nucleotide variant.
Coding change: c.656C>A on transcript NM_024642.5 (MANE Select); coding-DNA position 656, C replaced by A.
Protein change: p.Ala219Glu; replaces alanine 219 with glutamic acid.
Molecular consequence: missense variant.
Genome position (GRCh38, 1-based): chr9:98,826,866, C>A. VCF-style: chr9-98826866-C-A. GRCh37 (hg19) VCF-style: chr9-101589148-C-A.
Other names: short protein forms A219E.
Identifiers: ClinVar variation 1754226 (VCV001754226.3), dbSNP rs1237226126, ClinGen allele CA374217601.
Genomic context (GRCh38, chr9:98,826,866, plus strand): 5'-TGATCCGCGCCAACAAGAGAGAGGGCCTGGTGCGAGCCCGGCTGCTGGGGGCGTCTGCGG[C>A]GAGGGGCGATGTTCTGACCTTCCTGGACTGTCACTGTGAGTGCCACGAAGGGTGGCTGGA-3'
Protein context (NP_078918.3, residues 209-229): VRARLLGASA[Ala219Glu]RGDVLTFLDC